The following is an entry in ClinVar:

NM_000722.4(CACNA2D1):c.178-82A>C

Gene: CACNA2D1 (calcium voltage-gated channel auxiliary subunit alpha2delta 1; minus strand). Cytogenetic location: 7q21.11.
Variant type: single nucleotide variant.
Coding change: c.178-82A>C on transcript NM_000722.4 (MANE Select); 82 bases into the intron before coding-DNA position 178, A replaced by C.
Molecular consequence: intron variant.
Genome position (GRCh38, 1-based): chr7:82,335,333, T>G on the plus strand (A>C on the coding strand, the complement: CACNA2D1 is on the minus strand). VCF-style: chr7-82335333-T-G. GRCh37 (hg19) VCF-style: chr7-81964649-T-G.
Other names: c.178-82A>C (NM_001366867.1, NM_001302890.2).
Identifiers: ClinVar variation 678566 (VCV000678566.2), dbSNP rs12056126, ClinGen allele CA161637058.

ClinVar aggregate classification (germline): Likely benign. Review status: criteria provided, multiple submitters, no conflicts (2 of 4 stars). 2 submissions from 2 submitters: Likely benign (2). Last evaluated 2018-06-14.

Allele frequency attached by ClinVar (database versions not stated): gnomAD 0.01857; TOPMed 0.02583; 1000 Genomes Project 30x 0.03841; 1000 Genomes Project 0.03854.
gnomAD v4.1: 20,567 of 818,440 alleles (2.5%); highest among the groups gnomAD compares: Admixed American, 12%; 731 homozygotes.

Submissions (2):

GeneDx
Classification: Likely benign. Last evaluated: 2018-06-14. Review status: criteria provided, single submitter. Criteria: GeneDx Variant Classification (06012015). Collection method: clinical testing. Allele origin: germline. Affected: yes.
Comment: This variant is considered likely benign or benign based on one or more of the following criteria: it is a conservative change, it occurs at a poorly conserved position in the protein, it is predicted to be benign by multiple in silico algorithms, and/or has population frequency not consistent with disease.

Breakthrough Genomics
Classification: Likely benign. Review status: criteria provided, single submitter. Criteria: ACMG Guidelines, 2015. Collection method: not provided. Allele origin: germline. Inheritance: Autosomal recessive inheritance. Affected: yes.